The following is an entry in ClinVar:

ClinVar aggregate classification (germline): Uncertain significance (1 of 4 stars; one submission).

gnomAD v4.1: 25 of 1,613,864 alleles (0.0015%); highest among the groups gnomAD compares: Non-Finnish European, 0.0021%; no homozygotes.

Submission:

Labcorp Genetics (formerly Invitae), Labcorp
Classification: Uncertain significance. Last evaluated: 2022-12-30. Review status: criteria provided, single submitter. Criteria: Invitae Variant Classification Sherloc (09022015). Collection method: clinical testing. Allele origin: germline.
Comment: In summary, the available evidence is currently insufficient to determine the role of this variant in disease. Therefore, it has been classified as a Variant of Uncertain Significance. Algorithms developed to predict the effect of missense changes on protein structure and function are either unavailable or do not agree on the potential impact of this missense change (SIFT: "Deleterious"; PolyPhen-2: "Benign"; Align-GVGD: "Class C65"). This missense change has been observed in individual(s) with retinitis pigmentosa (PMID: 24938718). This variant is not present in population databases (gnomAD no frequency). This sequence change replaces serine, which is neutral and polar, with phenylalanine, which is neutral and non-polar, at codon 277 of the RP1 protein (p.Ser277Phe).

Literature cited by the submitters: PubMed 24938718.

NM_006269.2(RP1):c.830C>T (p.Ser277Phe)

Gene: RP1 (RP1 axonemal microtubule associated; plus strand). Cytogenetic location: 8q12.1.
Variant type: single nucleotide variant.
Coding change: c.830C>T on transcript NM_006269.2 (MANE Select); coding-DNA position 830, C replaced by T.
Protein change: p.Ser277Phe; replaces serine 277 with phenylalanine.
Molecular consequence: missense variant.
Genome position (GRCh38, 1-based): chr8:54,624,712, C>T. VCF-style: chr8-54624712-C-T. GRCh37 (hg19) VCF-style: chr8-55537272-C-T.
Other names: short protein forms S277F.
Identifiers: ClinVar variation 2735170 (VCV002735170.3), dbSNP rs267601949, ClinGen allele CA177236560.